The following is an entry in ClinVar:

NM_003357.5(SCGB1A1):c.-26G>A

Gene: SCGB1A1 (secretoglobin family 1A member 1; plus strand). Cytogenetic location: 11q12.3.
Variant type: single nucleotide variant.
Coding change: c.-26G>A on transcript NM_003357.5 (MANE Select); 26 bases upstream of the start codon, G replaced by A.
Molecular consequence: 5 prime UTR variant.
Genome position (GRCh38, 1-based): chr11:62,419,070, G>A. VCF-style: chr11-62419070-G-A. GRCh37 (hg19) VCF-style: chr11-62186542-G-A.
Identifiers: ClinVar variation 1027621 (VCV001027621.2), dbSNP rs3741240, ClinGen allele CA6043375.
Genomic context (GRCh38, chr11:62,419,070, plus strand): 5'-AGGCACCTTGCTGGGCATGTCTCATACTAGCCCACCAGACTCAGAGACGGAACCAGAGAC[G>A]GGCCAGAGCATCCCCCTCCTCCACCATGAAACTCGCTGTCACCCTCACCCTGGTCACACT-3'

ClinVar aggregate classification (germline): Established risk allele; association. Review status: no assertion criteria provided (0 of 4 stars). 2 submissions from 2 submitters: Established risk allele (1). Last evaluated 2025-01-07.

Conditions:
Chronic obstructive pulmonary disease. Also called: Chronic pulmonary obstruction. Identifiers: MedGen C0024117, MeSH D029424, MONDO:0005002, OMIM 606963, HP:0006510.

Allele frequency attached by ClinVar (database versions not stated): TOPMed 0.30375; ESP Exome Variant Server 0.31218; gnomAD 0.31443 and 0.32093; 1000 Genomes Project 0.33147; 1000 Genomes Project 30x 0.33417; gnomAD exomes 0.33994; ExAC 0.34507.
gnomAD v4.1: 541,218 of 1,564,120 alleles (35%); highest among the groups gnomAD compares: South Asian, 47%; 95,587 homozygotes.

Submissions (2):

Allergology and Ecology Laboratory, University of Burdwan
Classification: Established risk allele for Chronic obstructive pulmonary disease. Last evaluated: 2025-01-07. Review status: no assertion criteria provided. Collection method: research. Allele origin: inherited. Affected: yes. Observed: 195 variant alleles, 158 heterozygotes, 37 homozygotes.
Comment: The NM_003357.5 c.-26G>A (SCGB1A1 rs3741240) is a 5' UTR polymorphism situated in the SCGB1A1 gene which is found to be associated with COPD within the population of West Bengal, India. The rs3741240 38AA genotype was more frequent in COPD and associated with lower FEV1 and FEV1/FVC. mRNA and protein assays confirmed significantly reduced SCGB1A1/CC16 expression in 38AA carriers. In-silico evidence suggests reduced CC16 via miR-11181-3p/SMAD1-HAND1/2 affecting SPLUNC1 and leukocyte adhesion, supporting a pathogenic role in COPD.

Pneumogenomics Laboratory, Instituto Nacional de Enfermedades Respiratorias Ismael Cosio Villegas
Classification: association for Chronic obstructive pulmonary disease. Last evaluated: 2021-02-03. Review status: no assertion criteria provided. Collection method: case-control. Allele origin: germline. Affected: yes.